The following is an entry in ClinVar:

ClinVar aggregate classification (germline): Uncertain significance. Review status: criteria provided, multiple submitters, no conflicts (2 of 4 stars). 2 submissions from 2 submitters: Uncertain significance (2). Last evaluated 2025-11-10.

Allele frequency attached by ClinVar (database versions not stated): gnomAD exomes below 0.00001.

Submissions (2):

Women's Health and Genetics/Laboratory Corporation of America, LabCorp
Classification: Uncertain significance. Last evaluated: 2025-11-10. Review status: criteria provided, single submitter. Criteria: LabCorp Variant Classification Summary - May 2015. Collection method: clinical testing. Allele origin: germline.
Comment: Variant summary: COL9A3 c.616A>G (p.Lys206Glu) results in a conservative amino acid change in the encoded protein sequence. Algorithms developed to predict the effect of missense changes on protein structure and function are either unavailable or do not agree on the potential impact of this missense change. The variant was absent in 242236 control chromosomes. The available data on variant occurrences in the general population are insufficient to allow any conclusion about variant significance. To our knowledge, no occurrence of c.616A>G in individuals affected with COL9A3-related conditions and no experimental evidence demonstrating its impact on protein function have been reported. ClinVar contains an entry for this variant (Variation ID: 1394181). Based on the evidence outlined above, the variant was classified as uncertain significance.

Labcorp Genetics (formerly Invitae), Labcorp
Classification: Uncertain significance. Last evaluated: 2021-06-27. Review status: criteria provided, single submitter. Criteria: Invitae Variant Classification Sherloc (09022015). Collection method: clinical testing. Allele origin: germline.
Comment: This sequence change replaces lysine with glutamic acid at codon 206 of the COL9A3 protein (p.Lys206Glu). The lysine residue is highly conserved and there is a small physicochemical difference between lysine and glutamic acid. This variant is not present in population databases (ExAC no frequency). This variant has not been reported in the literature in individuals with COL9A3-related conditions. Advanced modeling of protein sequence and biophysical properties (such as structural, functional, and spatial information, amino acid conservation, physicochemical variation, residue mobility, and thermodynamic stability) performed at Invitae indicates that this missense variant is not expected to disrupt COL9A3 protein function. In summary, the available evidence is currently insufficient to determine the role of this variant in disease. Therefore, it has been classified as a Variant of Uncertain Significance.

NM_001853.4(COL9A3):c.616A>G (p.Lys206Glu)

Gene: COL9A3 (collagen type IX alpha 3 chain; plus strand). Cytogenetic location: 20q13.33.
Variant type: single nucleotide variant.
Coding change: c.616A>G on transcript NM_001853.4 (MANE Select); coding-DNA position 616, A replaced by G.
Protein change: p.Lys206Glu; replaces lysine 206 with glutamic acid.
Molecular consequence: missense variant.
Genome position (GRCh38, 1-based): chr20:62,825,007, A>G. VCF-style: chr20-62825007-A-G. GRCh37 (hg19) VCF-style: chr20-61456359-A-G.
Other names: short protein forms K206E.
Identifiers: ClinVar variation 1394181 (VCV001394181.9), dbSNP rs2147206552, ClinGen allele CA409590923.